The following is an entry in ClinVar:

NM_018896.5(CACNA1G):c.3787T>G (p.Ser1263Ala)

Gene: CACNA1G (calcium voltage-gated channel subunit alpha1 G; plus strand). Cytogenetic location: 17q21.33.
Variant type: single nucleotide variant.
Coding change: c.3787T>G on transcript NM_018896.5 (MANE Select); coding-DNA position 3787, T replaced by G.
Protein change: p.Ser1263Ala; replaces serine 1263 with alanine.
Molecular consequence: missense variant. On other transcripts: non-coding transcript variant (5).
Genome position (GRCh38, 1-based): chr17:50,600,822, T>G. VCF-style: chr17-50600822-T-G. GRCh37 (hg19) VCF-style: chr17-48678183-T-G.
Other names: c.3787T>G, p.Ser1263Ala (NM_001256324.2, NM_001256325.2, NM_001256326.2 and 16 more transcripts); c.3718T>G, p.Ser1240Ala (NM_001256332.2, NM_198376.3, NM_198379.3 and 5 more transcripts); short protein forms S1240A, S1263A.
Identifiers: ClinVar variation 3381757 (VCV003381757.2).

ClinVar aggregate classification (germline): Likely pathogenic (1 of 4 stars; one submission).

Conditions:
Spinocerebellar ataxia 42, early-onset, severe, with neurodevelopmental deficits. Identifiers: MedGen C4748120, MONDO:0060758, OMIM 618087.

Submission:

Molecular Genetics Laboratory, Motol Hospital
Classification: Likely pathogenic for Spinocerebellar ataxia 42, early-onset, severe, with neurodevelopmental deficits. Last evaluated: 2024-11-27. Review status: criteria provided, single submitter. Criteria: ACMG Guidelines, 2015. Collection method: clinical testing. Allele origin: de novo. Affected: yes. Observed: 1 variant allele.
Comment: The variant was confirmed to be of a de novo origin. Rare missense variants affecting the CACNA1G gene are documented as a molecular cause of autosomal dominant "early-onset severe spinocerebellar ataxia-42 with neurodevelopmental deficits" (SCA42ND, OMIM:618087) (PMID:29878067;32878331;32736238;31836334). To conclude, the variant is classified as likely pathogenic (ACMG PS2, PM2, PP2, PP3).

Literature cited by the submitters: PubMed 29878067; PubMed 32878331; PubMed 32736238; PubMed 31836334.